The following is an entry in ClinVar:

ClinVar aggregate classification (germline): not provided (0 of 4 stars; one submission).

Conditions:
Blau syndrome (BLAUS). Also called: ARTHROCUTANEOUVEAL GRANULOMATOSIS; GRANULOMATOSIS, FAMILIAL JUVENILE SYSTEMIC; GRANULOMATOSIS, FAMILIAL, BLAU TYPE; GRANULOMATOUS INFLAMMATORY ARTHRITIS, DERMATITIS, AND UVEITIS, FAMILIAL; JABS SYNDROME. Identifiers: Orphanet 90340, MedGen C5201146, MONDO:0008523, OMIM 186580.

Submission:

Unité médicale des maladies autoinflammatoires, CHRU Montpellier
No classification provided. Condition: Sarcoidosis, early-onset. Review status: no classification provided. Collection method: not provided. Allele origin: unknown.
Comment: also involved in OMIM 186580 and 266600

NM_001370466.1(NOD2):c.1306C>G (p.Pro436Ala)

Gene: NOD2 (nucleotide binding oligomerization domain containing 2; plus strand). Cytogenetic location: 16q12.1.
Variant type: single nucleotide variant.
Coding change: c.1306C>G on transcript NM_001370466.1 (MANE Select); coding-DNA position 1306, C replaced by G.
Protein change: p.Pro436Ala; replaces proline 436 with alanine.
Molecular consequence: missense variant. On other transcripts: non-coding transcript variant (1).
Genome position (GRCh38, 1-based): chr16:50,711,298, C>G. VCF-style: chr16-50711298-C-G. GRCh37 (hg19) VCF-style: chr16-50745209-C-G.
Other names: c.1306C>G, p.Pro436Ala (NM_001293557.2); c.1387C>G, p.Pro463Ala (NM_022162.3); c.1387C>G (LRG_177t1); short protein forms P463A, P436A.
Identifiers: ClinVar variation 97828 (VCV000097828.1), dbSNP rs104895482, ClinGen allele CA150199.